The following is an entry in ClinVar:

ClinVar aggregate classification (germline): Pathogenic. Review status: criteria provided, multiple submitters, no conflicts (2 of 4 stars). 2 submissions from 2 submitters: Pathogenic (2). Last evaluated 2026-09-08.

Conditions:
Fabry disease. Also called: Fabry's disease; ANDERSON-FABRY DISEASE; CERAMIDE TRIHEXOSIDASE DEFICIENCY; Angiokeratoma corporis diffusum; GLA DEFICIENCY; HEREDITARY DYSTOPIC LIPIDOSIS. Identifiers: Orphanet 324, MedGen C0002986, MONDO:0010526, OMIM 301500, HP:0001071. Disease mechanism: loss of function, Fabry disease is due to inactivating mutations in the X-linked GLA gene resulting in deficiency of the enzyme Alpha Galactosidase-A..

Submissions (2):

Genomenon, Inc
Classification: Pathogenic for Fabry disease. Last evaluated: 2026-09-08. Review status: criteria provided, single submitter. Criteria: Genomenon Sequence Variant Interpretation Standards - Updated. Collection method: curation. Allele origin: germline. Affected: yes.
Comment: GLA p.Gly144Val (c.431G>T) is a missense variant that changes the amino acid at codon 144 from Glycine to Valine. This variant has been observed in at least one proband with clinical features consistent with Fabry disease (PMID:15091117;10649504;27657681;11531969;28756410;11889412). The variant was found to segregate with disease in at least one affected family (PMID:11531969;11889412). At least one functional study has demonstrated a substantial alteration in protein function relative to the wild-type (PMID:21598360;30723321;27657681). It is absent or not present at a significant frequency in gnomAD. In silico models predict that this variant is possibly or probably damaging. In conclusion, we classify GLA p.Gly144Val (c.431G>T) as a pathogenic variant.

Labcorp Genetics (formerly Invitae), Labcorp
Classification: Pathogenic for Fabry disease. Last evaluated: 2023-12-01. Review status: criteria provided, single submitter. Criteria: Invitae Variant Classification Sherloc (09022015). Collection method: clinical testing. Allele origin: germline.
Comment: This sequence change replaces glycine, which is neutral and non-polar, with valine, which is neutral and non-polar, at codon 144 of the GLA protein (p.Gly144Val). This variant is not present in population databases (gnomAD no frequency). This missense change has been observed in individual(s) with Fabry disease (PMID: 7531540, 10649504, 11322659, 11531969). ClinVar contains an entry for this variant (Variation ID: 937290). Advanced modeling of protein sequence and biophysical properties (such as structural, functional, and spatial information, amino acid conservation, physicochemical variation, residue mobility, and thermodynamic stability) performed at Invitae indicates that this missense variant is expected to disrupt GLA protein function with a positive predictive value of 80%. Experimental studies have shown that this missense change affects GLA function (PMID: 21598360). For these reasons, this variant has been classified as Pathogenic.

Literature cited by the submitters: PubMed 15091117 (cited by Genomenon, Inc); PubMed 10649504 (cited by Genomenon, Inc and Labcorp Genetics (formerly Invitae), Labcorp); PubMed 27657681 (cited by Genomenon, Inc); PubMed 11531969 (cited by Genomenon, Inc and Labcorp Genetics (formerly Invitae), Labcorp); PubMed 28756410 (cited by Genomenon, Inc); PubMed 11889412 (cited by Genomenon, Inc); PubMed 21598360 (cited by Genomenon, Inc and Labcorp Genetics (formerly Invitae), Labcorp); PubMed 30723321 (cited by Genomenon, Inc); PubMed 7531540 (cited by Labcorp Genetics (formerly Invitae), Labcorp); PubMed 11322659 (cited by Labcorp Genetics (formerly Invitae), Labcorp).

NM_000169.3(GLA):c.431G>T (p.Gly144Val)

Genes: GLA (galactosidase alpha; minus strand), RPL36A-HNRNPH2 (RPL36A-HNRNPH2 readthrough; plus strand). Cytogenetic location: Xq22.1.
Variant type: single nucleotide variant.
Coding change: c.431G>T on transcript NM_000169.3 (MANE Select); coding-DNA position 431, G replaced by T.
Protein change: p.Gly144Val; replaces glycine 144 with valine.
Molecular consequence: missense variant. On other transcripts: non-coding transcript variant (3), intron variant (2).
Genome position (GRCh38, 1-based): chrX:101,401,748, C>A on the plus strand (G>T on the coding strand, the complement: GLA is on the minus strand). VCF-style: chrX-101401748-C-A. GRCh37 (hg19) VCF-style: chrX-100656736-C-A.
Other names: c.554G>T, p.Gly185Val (NM_001406747.1, NM_001406749.1); c.431G>T, p.Gly144Val (NM_001406748.1); c.300+6291C>A (NM_001199973.2); c.177+9926C>A (NM_001199974.2); short protein forms G144V, G185V.
Identifiers: ClinVar variation 937290 (VCV000937290.12), dbSNP rs782085638, ClinGen allele CA413930045.
Genomic context (GRCh38, chrX:101,401,748, plus strand): 5'-ACTCCCCAGTCAGCAAAGGTCTGGGCATCAATGTCGTAGTATCCAAAACTCCCAGGGAAG[C>A]CTGCGCAGGTTTTATTTCCAACATCTGCATAAATCCCTAGCTTCAGTCCTTTGCTGTGAA-3'
Protein context (NP_000160.1, residues 134-154): YADVGNKTCA[Gly144Val]FPGSFGYYDI